The following is an entry in ClinVar:

NM_000179.3(MSH6):c.802G>A (p.Asp268Asn)

Gene: MSH6 (mutS homolog 6; plus strand). Cytogenetic location: 2p16.3.
Variant type: single nucleotide variant.
Coding change: c.802G>A on transcript NM_000179.3 (MANE Select); coding-DNA position 802, G replaced by A.
Protein change: p.Asp268Asn; replaces aspartic acid 268 with asparagine.
Molecular consequence: missense variant. On other transcripts: 5 prime UTR variant (2).
Genome position (GRCh38, 1-based): chr2:47,798,785, G>A. VCF-style: chr2-47798785-G-A. GRCh37 (hg19) VCF-style: chr2-48025924-G-A.
Other names: c.412G>A, p.Asp138Asn (NM_001281492.2); c.-105G>A (NM_001281493.2, NM_001281494.2, NM_001406811.1 and 6 more transcripts); c.898G>A, p.Asp300Asn (NM_001406795.1, NM_001406802.1); c.802G>A, p.Asp268Asn (NM_001406796.1, NM_001406798.1, NM_001406800.1 and 4 more transcripts); c.505G>A, p.Asp169Asn (NM_001406797.1, NM_001406801.1, NM_001406805.1 and 10 more transcripts); c.277G>A, p.Asp93Asn (NM_001406799.1, NM_001406806.1, NM_001406807.1); c.724G>A, p.Asp242Asn (NM_001406804.1); c.808G>A, p.Asp270Asn (NM_001406813.1); and 1 more; short protein forms D169N, D270N, D93N, D300N, D212N, D268N, D138N, D242N.
Identifiers: ClinVar variation 1761734 (VCV001761734.5), dbSNP rs1553412217, ClinGen allele CA346740335.

ClinVar aggregate classification (germline): Uncertain significance. Review status: criteria provided, multiple submitters, no conflicts (2 of 4 stars). 2 submissions from 2 submitters: Uncertain significance (2). Last evaluated 2023-11-17.

Conditions:
Hereditary nonpolyposis colorectal neoplasms. Identifiers: MedGen C0009405, MeSH D003123.
Hereditary cancer-predisposing syndrome. Also called: Neoplastic Syndromes, Hereditary; Tumor predisposition; Hereditary Cancer Syndrome; Hereditary neoplastic syndrome. Identifiers: Orphanet 140162, MedGen C0027672, MeSH D009386, MONDO:0015356.

gnomAD v4.1: 2 of 1,614,162 alleles (0.00012%); highest among the groups gnomAD compares: Non-Finnish European, 0.00017%; no homozygotes.

Submissions (2):

Labcorp Genetics (formerly Invitae), Labcorp
Classification: Uncertain significance for Hereditary nonpolyposis colorectal neoplasms. Last evaluated: 2023-11-17. Review status: criteria provided, single submitter. Criteria: Invitae Variant Classification Sherloc (09022015). Collection method: clinical testing. Allele origin: germline.
Comment: This sequence change replaces aspartic acid, which is acidic and polar, with asparagine, which is neutral and polar, at codon 268 of the MSH6 protein (p.Asp268Asn). This variant is not present in population databases (gnomAD no frequency). This variant has not been reported in the literature in individuals affected with MSH6-related conditions. ClinVar contains an entry for this variant (Variation ID: 1761734). Advanced modeling of protein sequence and biophysical properties (such as structural, functional, and spatial information, amino acid conservation, physicochemical variation, residue mobility, and thermodynamic stability) performed at Invitae indicates that this missense variant is not expected to disrupt MSH6 protein function with a negative predictive value of 95%. In summary, the available evidence is currently insufficient to determine the role of this variant in disease. Therefore, it has been classified as a Variant of Uncertain Significance.

Ambry Genetics
Classification: Uncertain significance for Hereditary cancer-predisposing syndrome. Last evaluated: 2023-11-08. Review status: criteria provided, single submitter. Criteria: Ambry Variant Classification Scheme 2023. Collection method: clinical testing. Allele origin: germline.
Comment: The p.D268N variant (also known as c.802G>A), located in coding exon 4 of the MSH6 gene, results from a G to A substitution at nucleotide position 802. The aspartic acid at codon 268 is replaced by asparagine, an amino acid with highly similar properties. This amino acid position is well conserved in available vertebrate species. In addition, this alteration is predicted to be tolerated by in silico analysis. Since supporting evidence is limited at this time, the clinical significance of this alteration remains unclear.